The following is an entry in ClinVar:

ClinVar aggregate classification (germline): Uncertain significance (1 of 4 stars; one submission).

Conditions:
Retinoblastoma (RB1). Also called: RETINOBLASTOMA, SOMATIC. Identifiers: Orphanet 790, MedGen C0035335, MeSH D012175, MONDO:0008380, OMIM 180200, HP:0009919. Disease mechanism: loss of function. Inheritance: Both sporadic and heritable forms are tested..

Allele frequency attached by ClinVar (database versions not stated): gnomAD 0.00001; 1000 Genomes Project 0.00020.
gnomAD v4.1: 1 of 1,503,932 alleles (0.000066%); highest among the groups gnomAD compares: South Asian, 0.0012%; no homozygotes.

Submission:

Labcorp Genetics (formerly Invitae), Labcorp
Classification: Uncertain significance for Retinoblastoma. Last evaluated: 2025-12-03. Review status: criteria provided, single submitter. Criteria: Invitae Variant Classification Sherloc (09022015). Collection method: clinical testing. Allele origin: germline.
Comment: This sequence change replaces alanine, which is neutral and non-polar, with glycine, which is neutral and non-polar, at codon 15 of the RB1 protein (p.Ala15Gly). This variant is not present in population databases (gnomAD no frequency). This variant has not been reported in the literature in individuals affected with RB1-related conditions. ClinVar contains an entry for this variant (Variation ID: 571777). Invitae Evidence Modeling of protein sequence and biophysical properties (such as structural, functional, and spatial information, amino acid conservation, physicochemical variation, residue mobility, and thermodynamic stability) has been performed for this missense variant. However, the output from this modeling did not meet the statistical confidence thresholds required to predict the impact of this variant on RB1 protein function. In summary, the available evidence is currently insufficient to determine the role of this variant in disease. Therefore, it has been classified as a Variant of Uncertain Significance.

NM_000321.3(RB1):c.44C>G (p.Ala15Gly)

Gene: RB1 (RB transcriptional corepressor 1; plus strand). Cytogenetic location: 13q14.2.
Variant type: single nucleotide variant.
Coding change: c.44C>G on transcript NM_000321.3 (MANE Select); coding-DNA position 44, C replaced by G.
Protein change: p.Ala15Gly; replaces alanine 15 with glycine.
Molecular consequence: missense variant.
Genome position (GRCh38, 1-based): chr13:48,303,956, C>G. VCF-style: chr13-48303956-C-G. GRCh37 (hg19) VCF-style: chr13-48878092-C-G.
Other names: short protein forms A15G.
Identifiers: ClinVar variation 571777 (VCV000571777.8), dbSNP rs564137727, ClinGen allele CA249842026.